The following is an entry in ClinVar:

NM_002911.4(UPF1):c.1825-6C>T

Gene: UPF1 (UPF1 RNA helicase and ATPase; plus strand). Cytogenetic location: 19p13.11.
Variant type: single nucleotide variant.
Coding change: c.1825-6C>T on transcript NM_002911.4 (MANE Select); 6 bases into the intron before coding-DNA position 1825, C replaced by T.
Molecular consequence: intron variant.
Genome position (GRCh38, 1-based): chr19:18,856,871, C>T. VCF-style: chr19-18856871-C-T. GRCh37 (hg19) VCF-style: chr19-18967680-C-T.
Other names: c.1858-6C>T (NM_001297549.2).
Identifiers: ClinVar variation 2649599 (VCV002649599.24), dbSNP rs112084896, ClinGen allele CA9317430.

ClinVar aggregate classification (germline): Likely benign (1 of 4 stars; one submission).

Allele frequency attached by ClinVar (database versions not stated): ExAC 0.00060; ESP Exome Variant Server 0.00123; gnomAD 0.00167; TOPMed 0.00189; 1000 Genomes Project 0.00260; 1000 Genomes Project 30x 0.00281.
gnomAD v4.1: 479 of 1,609,400 alleles (0.03%); highest among the groups gnomAD compares: African/African-American, 0.55%; 1 homozygote.

Submission:

CeGaT Center for Human Genetics Tuebingen
Classification: Likely benign. Last evaluated: 2022-12-01. Review status: criteria provided, single submitter. Criteria: CeGaT Center For Human Genetics Tuebingen Variant Classification Criteria Version 2. Collection method: clinical testing. Allele origin: germline. Affected: yes. Observed: 1 variant allele.
Comment: UPF1: BP4, BS1